The following is an entry in ClinVar:

ClinVar aggregate classification (germline): Pathogenic. Review status: criteria provided, single submitter (1 of 4 stars). 2 submissions from 2 submitters: Pathogenic (1). 1 of the submissions does not count toward it. Last evaluated 2020-04-15.

Conditions:
Nephronophthisis. Also called: Juvenile Nephronophthisis. Identifiers: Orphanet 655, MedGen C0687120, MONDO:0019005, HP:0000090.
Nephronophthisis 4 (NPHP4). Also called: NEPHRONOPHTHISIS 4, JUVENILE. Identifiers: Orphanet 655, MedGen C1847013, MONDO:0011752, OMIM 606966.

Submissions (2):

Labcorp Genetics (formerly Invitae), Labcorp
Classification: Pathogenic for Nephronophthisis. Last evaluated: 2020-04-15. Review status: criteria provided, single submitter. Criteria: Invitae Variant Classification Sherloc (09022015). Collection method: clinical testing. Allele origin: germline.
Comment: For these reasons, this variant has been classified as Pathogenic. This sequence change creates a premature translational stop signal (p.Gln793*) in the NPHP4 gene. It is expected to result in an absent or disrupted protein product. This variant is not present in population databases (ExAC no frequency). This variant has been reported to be homozygous in individuals affected with nephronophthisis (PMID: 12244321, 15776426). This variant is also known as Q617X in the literature. ClinVar contains an entry for this variant (Variation ID: 3400). Loss-of-function variants in NPHP4 are known to be pathogenic (PMID: 23559409).

OMIM
Classification: Pathogenic for NEPHRONOPHTHISIS 4. Last evaluated: 2002-10-01. Review status: no assertion criteria provided. Collection method: literature only. Allele origin: germline. Not counted in ClinVar's aggregate classification.

Literature cited by the submitters: PubMed 12244321 (cited by Labcorp Genetics (formerly Invitae), Labcorp and OMIM); PubMed 15776426 (cited by Labcorp Genetics (formerly Invitae), Labcorp); PubMed 23559409 (cited by Labcorp Genetics (formerly Invitae), Labcorp).

NM_015102.5(NPHP4):c.2377C>T (p.Gln793Ter)

Gene: NPHP4 (nephrocystin 4; minus strand). Cytogenetic location: 1p36.31.
Variant type: single nucleotide variant.
Coding change: c.2377C>T on transcript NM_015102.5 (MANE Select); coding-DNA position 2377, C replaced by T.
Protein change: p.Gln793Ter; replaces glutamine 793 with a stop codon.
Molecular consequence: nonsense. On other transcripts: non-coding transcript variant (1).
Genome position (GRCh38, 1-based): chr1:5,887,394, G>A on the plus strand (C>T on the coding strand, the complement: NPHP4 is on the minus strand). VCF-style: chr1-5887394-G-A. GRCh37 (hg19) VCF-style: chr1-5947454-G-A.
Other names: c.838C>T, p.Gln280Ter (NM_001291593.2); c.841C>T, p.Gln281Ter (NM_001291594.2); short protein forms Q793*, Q280*, Q281*.
Identifiers: ClinVar variation 3400 (VCV000003400.9), dbSNP rs137852919, ClinGen allele CA116183.
Genomic context (GRCh38, chr1:5,887,394, plus strand): 5'-CGCCGATGGGCTTGACGCGGCCAAACCCCAGCATGTCTCCACTCACCACCATGTTGTCCT[G>A]CTCGTATTCAGTTGCCACGACCTCAAGCTCGTGGGAGGCCTGCACAGCCGGCCGGCCTTG-3'